The following is an entry in ClinVar:

NM_000535.7(PMS2):c.2466T>C (p.Leu822=)

Gene: PMS2 (PMS1 homolog 2, mismatch repair system component; minus strand). Cytogenetic location: 7p22.1.
Variant type: single nucleotide variant.
Coding change: c.2466T>C on transcript NM_000535.7 (MANE Select); coding-DNA position 2466, T replaced by C.
Protein change: p.Leu822=; no amino-acid change (leucine 822 retained).
Molecular consequence: synonymous variant. On other transcripts: non-coding transcript variant (1).
Genome position (GRCh38, 1-based): chr7:5,973,522, A>G on the plus strand (T>C on the coding strand, the complement: PMS2 is on the minus strand). VCF-style: chr7-5973522-A-G. GRCh37 (hg19) VCF-style: chr7-6013153-A-G.
Other names: c.2061T>C, p.Leu687= (NM_001322003.2, NM_001322004.2, NM_001322005.2); c.2310T>C, p.Leu770= (NM_001322006.2); c.2148T>C, p.Leu716= (NM_001322007.2, NM_001322008.2); c.2094T>C, p.Leu698= (NM_001322009.2); c.1905T>C, p.Leu635= (NM_001322010.2); c.1533T>C, p.Leu511= (NM_001322011.2, NM_001322012.2); c.1893T>C, p.Leu631= (NM_001322013.2); c.2499T>C, p.Leu833= (NM_001322014.2); and 1 more.
Identifiers: ClinVar variation 36690 (VCV000036690.53), dbSNP rs10000, ClinGen allele CA011559.

ClinVar aggregate classification (germline): Benign. Review status: reviewed by expert panel (3 of 4 stars). 19 submissions from 19 submitters: Benign (1). 18 of the submissions do not count toward it. Last evaluated 2013-09-05.

Conditions:
Hereditary nonpolyposis colorectal neoplasms. Identifiers: MedGen C0009405, MeSH D003123.
Hereditary cancer-predisposing syndrome. Also called: Neoplastic Syndromes, Hereditary; Hereditary neoplastic syndrome; Tumor predisposition; Hereditary Cancer Syndrome. Identifiers: Orphanet 140162, MedGen C0027672, MeSH D009386, MONDO:0015356.
Lynch syndrome. Identifiers: Orphanet 144, MedGen C4552100, MONDO:0005835. Disease mechanism: loss of function.
Lynch syndrome 4 (LYNCH4). Also called: Hereditary non-polyposis colorectal cancer, type 4; Colorectal cancer, hereditary nonpolyposis, type 4. Identifiers: Orphanet 144, MedGen C1838333, MONDO:0013699, OMIM 614337. Disease mechanism: loss of function.
Endometrial carcinoma. Also called: Endometrial carcinoma, somatic. Identifiers: MedGen C0476089, MONDO:0002447, OMIM 608089, HP:0012114.

Allele frequency attached by ClinVar (database versions not stated): 1000 Genomes Project 0.06270; 1000 Genomes Project 30x 0.07230; gnomAD exomes 0.11039 and 0.12750; gnomAD 0.11353 and 0.11447; ExAC 0.21137.
gnomAD v4.1: 74,006 of 588,230 alleles (13%); highest among the groups gnomAD compares: Middle Eastern, 15%; 2,606 homozygotes.

Submissions (19):

International Society for Gastrointestinal Hereditary Tumours (InSiGHT)
Classification: Benign for Lynch Syndrome. Last evaluated: 2013-09-05. Review status: reviewed by expert panel. Criteria: Guidelines v1.9. Collection method: research. Allele origin: germline.
Comment: MAF >1%

Classified with v1.9 guidelines
ClinVar note: Converted during submission from no known pathogenicity to Benign.

Labcorp Genetics (formerly Invitae), Labcorp
Classification: Benign for Hereditary nonpolyposis colorectal neoplasms. Last evaluated: 2026-02-04. Review status: criteria provided, single submitter. Criteria: Invitae Variant Classification Sherloc (09022015). Collection method: clinical testing. Allele origin: germline. Not counted in ClinVar's aggregate classification.

ARUP Laboratories, Molecular Genetics and Genomics, ARUP Laboratories
Classification: Benign. Last evaluated: 2025-07-30. Review status: criteria provided, single submitter. Criteria: ARUP Molecular Germline Variant Investigation Process 2024. Collection method: clinical testing. Allele origin: germline. Not counted in ClinVar's aggregate classification.

GeneKor MSA
Classification: Benign for Lynch syndrome. Last evaluated: 2025-07-10. Review status: criteria provided, single submitter. Criteria: ACMG Guidelines, 2015. Collection method: clinical testing. Allele origin: germline. Not counted in ClinVar's aggregate classification.

Myriad Genetics, Inc.
Classification: Benign for Lynch syndrome 4. Last evaluated: 2025-02-04. Review status: criteria provided, single submitter. Criteria: Myriad Autosomal Dominant, Autosomal Recessive and X-Linked Classification Criteria (2023). Collection method: clinical testing. Allele origin: unknown. Not counted in ClinVar's aggregate classification.
Comment: This variant is considered benign. This variant is a silent/synonymous amino acid change and it is not expected to impact splicing.

Blueprint Genetics
Classification: Likely benign. Last evaluated: 2024-11-27. Review status: criteria provided, single submitter. Criteria: ACMG Guidelines, 2015. Collection method: clinical testing. Allele origin: germline. Not counted in ClinVar's aggregate classification.

Color Diagnostics, LLC DBA Color Health
Classification: Benign for Hereditary cancer-predisposing syndrome. Last evaluated: 2018-10-11. Review status: criteria provided, single submitter. Criteria: ACMG Guidelines, 2015. Collection method: clinical testing. Allele origin: germline. Not counted in ClinVar's aggregate classification.

Eurofins Ntd Llc (ga)
Classification: Benign. Last evaluated: 2018-03-04. Review status: criteria provided, single submitter. Criteria: EGL ClinVar v180209 classification definitions. Collection method: clinical testing. Allele origin: germline. Observed: 39 variant alleles, 33 heterozygotes, 7 homozygotes. Not counted in ClinVar's aggregate classification.

Illumina Laboratory Services, Illumina
Classification: Benign for Lynch syndrome 4. Last evaluated: 2018-01-12. Review status: criteria provided, single submitter. Criteria: ICSL Variant Classification Criteria 13 December 2019. Collection method: clinical testing. Allele origin: germline. Not counted in ClinVar's aggregate classification.
Comment: This variant was observed in the ICSL laboratory as part of a predisposition screen in an ostensibly healthy population. It had not been previously curated by ICSL or reported in the Human Gene Mutation Database (HGMD: prior to June 1st, 2018), and was therefore a candidate for classification through an automated scoring system. Utilizing variant allele frequency, disease prevalence and penetrance estimates, and inheritance mode, an automated score was calculated to assess if this variant is too frequent to cause the disease. Based on the score and internal cut-off values, a variant classified as benign is not then subjected to further curation. The score for this variant resulted in a classification of benign for this disease.

CSER _CC_NCGL, University of Washington
Classification: Uncertain significance for Lynch syndrome. Last evaluated: 2016-07-01. Review status: criteria provided, single submitter. Criteria: Amendola et al. (Genome Res. 2015). Collection method: research. Allele origin: germline. Affected: no. Study: CSER - NEXT Medicine variant annotation. Not counted in ClinVar's aggregate classification.
Comment: This interpretation considers GERP score and allele frequency data, in addition to published reports of the variant in the literature, available at the time of review.

GeneDx
Classification: Benign. Last evaluated: 2015-03-03. Review status: criteria provided, single submitter. Criteria: GeneDx Variant Classification Process June 2021. Collection method: clinical testing. Allele origin: germline. Affected: yes. Not counted in ClinVar's aggregate classification.

Ambry Genetics
Classification: Benign for Hereditary cancer-predisposing syndrome. Last evaluated: 2014-10-24. Review status: criteria provided, single submitter. Criteria: Ambry Variant Classification Scheme 2023. Collection method: clinical testing. Allele origin: germline. Not counted in ClinVar's aggregate classification.

Women's Health and Genetics/Laboratory Corporation of America, LabCorp
Classification: Benign for Hereditary non-polyposis colon cancer. Last evaluated: 2011-08-18. Review status: criteria provided, single submitter. Criteria: LabCorp Variant Classification Summary - May 2015. Collection method: curation. Allele origin: germline. Inheritance: autosomal unknown. Affected: yes. Observed: 2 variant alleles. Not counted in ClinVar's aggregate classification.
ClinVar note: Converted during submission from benign to Benign.

PreventionGenetics, part of Exact Sciences
Classification: Benign. Review status: criteria provided, single submitter. Criteria: ACMG Guidelines, 2015. Collection method: clinical testing. Allele origin: germline. Not counted in ClinVar's aggregate classification.

Clinical Genetics DNA and cytogenetics Diagnostics Lab, Erasmus MC, Erasmus Medical Center
Classification: Benign. Review status: no assertion criteria provided. Collection method: clinical testing. Allele origin: germline. Affected: yes. Study: VKGL Data-share Consensus. Not counted in ClinVar's aggregate classification.

Clinical Genetics, Academic Medical Center
Classification: Benign. Review status: no assertion criteria provided. Collection method: clinical testing. Allele origin: germline. Affected: yes. Study: VKGL Data-share Consensus. Not counted in ClinVar's aggregate classification.

Department of Pathology and Laboratory Medicine, Sinai Health System
Classification: Benign for Endometrial carcinoma. Review status: no assertion criteria provided. Collection method: clinical testing. Allele origin: unknown. Affected: yes. Study: The Canadian Open Genetics Repository (COGR). Not counted in ClinVar's aggregate classification.
Comment: The c.2466T>C, p.Leu822= variant was identified in 11% of132692 control alleles in the Genome Aggregation Consortium (February 27, 2017). According to ACMG guidelines for variant classification based on allele frequency, category BA1, this variant is considered benign and has not been further reviewed (Richards 2015).

Joint Genome Diagnostic Labs from Nijmegen and Maastricht, Radboudumc and MUMC+
Classification: Benign. Review status: no assertion criteria provided. Collection method: clinical testing. Allele origin: germline. Affected: yes. Study: VKGL Data-share Consensus. Not counted in ClinVar's aggregate classification.

Mayo Clinic Laboratories, Mayo Clinic
Classification: Benign. Review status: no assertion criteria provided. Collection method: clinical testing. Allele origin: unknown. Not counted in ClinVar's aggregate classification.

Literature cited by the submitters: PubMed 10479499 (cited by Women's Health and Genetics/Laboratory Corporation of America, LabCorp); PubMed 15256438 (cited by Women's Health and Genetics/Laboratory Corporation of America, LabCorp); PubMed 16472587 (cited by Women's Health and Genetics/Laboratory Corporation of America, LabCorp); PubMed 20205264 (cited by Women's Health and Genetics/Laboratory Corporation of America, LabCorp); PubMed 20186688 (cited by Women's Health and Genetics/Laboratory Corporation of America, LabCorp); PubMed 16619239 (cited by Women's Health and Genetics/Laboratory Corporation of America, LabCorp); PubMed 8993976 (cited by Women's Health and Genetics/Laboratory Corporation of America, LabCorp); PubMed 20186689 (cited by Women's Health and Genetics/Laboratory Corporation of America, LabCorp); PubMed 19132747 (cited by Women's Health and Genetics/Laboratory Corporation of America, LabCorp).